The following is an entry in ClinVar:

NM_001130438.3(SPTAN1):c.2265C>G (p.Ile755Met)

Gene: SPTAN1 (spectrin alpha, non-erythrocytic 1; plus strand). Cytogenetic location: 9q34.11.
Variant type: single nucleotide variant.
Coding change: c.2265C>G on transcript NM_001130438.3 (MANE Select); coding-DNA position 2265, C replaced by G.
Protein change: p.Ile755Met; replaces isoleucine 755 with methionine.
Molecular consequence: missense variant.
Genome position (GRCh38, 1-based): chr9:128,584,353, C>G. VCF-style: chr9-128584353-C-G. GRCh37 (hg19) VCF-style: chr9-131346632-C-G.
Other names: c.2265C>G, p.Ile755Met (NM_001195532.2, NM_001363759.2, NM_001363765.2 and 5 more transcripts); c.2301C>G, p.Ile767Met (NM_001375312.2, NM_001375318.1); short protein forms I755M, I767M.
Identifiers: ClinVar variation 3674623 (VCV003674623.2).

ClinVar aggregate classification (germline): Uncertain significance (1 of 4 stars; one submission).

Conditions:
Early-infantile DEE. Also called: Ohtahara syndrome; Early infantile epileptic encephalopathy with suppression bursts; Early infantile epileptic encephalopathy. Identifiers: Orphanet 1934, MedGen C0393706, MONDO:0800491.

gnomAD v4.1: 2 of 1,614,180 alleles (0.00012%); highest among the groups gnomAD compares: Non-Finnish European, 0.00017%; no homozygotes.

Submission:

Labcorp Genetics (formerly Invitae), Labcorp
Classification: Uncertain significance for Early-infantile DEE. Last evaluated: 2025-10-27. Review status: criteria provided, single submitter. Criteria: Invitae Variant Classification Sherloc (09022015). Collection method: clinical testing. Allele origin: germline.
Comment: This sequence change replaces isoleucine, which is neutral and non-polar, with methionine, which is neutral and non-polar, at codon 755 of the SPTAN1 protein (p.Ile755Met). This variant is not present in population databases (gnomAD no frequency). This variant has not been reported in the literature in individuals affected with SPTAN1-related conditions. ClinVar contains an entry for this variant (Variation ID: 3674623). Invitae Evidence Modeling of protein sequence and biophysical properties (such as structural, functional, and spatial information, amino acid conservation, physicochemical variation, residue mobility, and thermodynamic stability) has been performed for this missense variant. However, the output from this modeling did not meet the statistical confidence thresholds required to predict the impact of this variant on SPTAN1 protein function. In summary, the available evidence is currently insufficient to determine the role of this variant in disease. Therefore, it has been classified as a Variant of Uncertain Significance.